The following is an entry in ClinVar:

ClinVar aggregate classification (germline): Likely pathogenic (1 of 4 stars; one submission).

Conditions:
CD36-related disorder. Also called: CD36-related condition; CD36-related disorders.

gnomAD v4.1: 17 of 1,584,622 alleles (0.0011%); highest among the groups gnomAD compares: Admixed American, 0.028%; no homozygotes.

Submission:

PreventionGenetics, part of Exact Sciences
Classification: Likely pathogenic for CD36-related condition. Last evaluated: 2025-02-12. Review status: criteria provided, single submitter. Criteria: ACMG Guidelines, 2015. Collection method: clinical testing. Allele origin: germline.
Comment: The CD36 c.818+2T>C variant is predicted to disrupt the GT donor site and interfere with normal splicing. To our knowledge, this variant has not been reported in the literature. This variant is reported in 0.049% of alleles in individuals of Latino descent in gnomAD. Variants that disrupt the consensus splice donor site in CD36 are expected to be pathogenic. This variant is interpreted as likely pathogenic.

NM_001001548.3(CD36):c.818+2T>C

Gene: CD36 (CD36 molecule (CD36 blood group); plus strand). Cytogenetic location: 7q21.11.
Variant type: single nucleotide variant.
Coding change: c.818+2T>C on transcript NM_001001548.3 (MANE Select); the canonical splice donor site of the intron after coding-DNA position 818, T replaced by C.
Molecular consequence: splice donor variant. On other transcripts: intron variant (1).
Genome position (GRCh38, 1-based): chr7:80,670,024, T>C. VCF-style: chr7-80670024-T-C. GRCh37 (hg19) VCF-style: chr7-80299340-T-C.
Other names: c.818+2T>C (NM_001371075.1, NM_001001547.3, NM_001371074.1 and 5 more transcripts); c.353+2T>C (NM_001371081.1, NM_001371080.1); c.590+2T>C (NM_001289911.2); c.716+2T>C (NM_001371079.1); c.638+2T>C (NM_001289909.1); c.702-953T>C (NM_001289908.1).
Identifiers: ClinVar variation 4980906 (VCV004980906.1).